The following is an entry in ClinVar:

ClinVar aggregate classification (germline): Likely benign. Review status: criteria provided, multiple submitters, no conflicts (2 of 4 stars). 4 submissions from 4 submitters: Likely benign (4). Last evaluated 2026-09-15.

Conditions:
NTRK1-related disorder. Also called: NTRK1-related condition.
Inborn genetic diseases. Identifiers: MedGen C0950123, MeSH D030342.
Hereditary insensitivity to pain with anhidrosis (CIPA). Also called: INSENSITIVITY TO PAIN, CONGENITAL, WITH ANHIDROSIS; NTRK1 Congenital Insensitivity to Pain with Anhidrosis; hereditary sensory and autonomic neuropathy type 4; HSAN Type IV; FAMILIAL DYSAUTONOMIA, TYPE II; NEUROPATHY, CONGENITAL SENSORY, WITH ANHIDROSIS. Identifiers: Orphanet 642, MedGen C0020074, MONDO:0009746, OMIM 256800.

Allele frequency attached by ClinVar (database versions not stated): ExAC 0.00002; gnomAD exomes 0.00003; TOPMed 0.00003; gnomAD 0.00004; ESP Exome Variant Server 0.00008; 1000 Genomes Project 30x 0.00016; 1000 Genomes Project 0.00020.
gnomAD v4.1: 54 of 1,613,448 alleles (0.0033%); highest among the groups gnomAD compares: East Asian, 0.0089%; no homozygotes.

Submissions (4):

PreventionGenetics, part of Exact Sciences
Classification: Likely benign for NTRK1-related condition. Last evaluated: 2026-09-15. Review status: criteria provided, single submitter. Criteria: ACMG Guidelines, 2015. Collection method: clinical testing. Allele origin: germline.
Comment: This variant is classified as likely benign based on ACMG/AMP sequence variant interpretation guidelines (Richards et al. 2015 PMID: 25741868, with internal and published modifications).

Labcorp Genetics (formerly Invitae), Labcorp
Classification: Likely benign for Hereditary insensitivity to pain with anhidrosis. Last evaluated: 2025-11-11. Review status: criteria provided, single submitter. Criteria: Invitae Variant Classification Sherloc (09022015). Collection method: clinical testing. Allele origin: germline.

Genome-Nilou Lab
Classification: Likely benign for Hereditary insensitivity to pain with anhidrosis. Last evaluated: 2023-04-11. Review status: criteria provided, single submitter. Criteria: ACMG Guidelines, 2015. Collection method: clinical testing. Allele origin: germline. Affected: no.

Ambry Genetics
Classification: Likely benign for Inborn genetic diseases. Last evaluated: 2019-07-11. Review status: criteria provided, single submitter. Criteria: Ambry Variant Classification Scheme 2023. Collection method: clinical testing. Allele origin: germline.

NM_002529.4(NTRK1):c.2085G>A (p.Pro695=)

Gene: NTRK1 (neurotrophic receptor tyrosine kinase 1; plus strand). Cytogenetic location: 1q23.1.
Variant type: single nucleotide variant.
Coding change: c.2085G>A on transcript NM_002529.4 (MANE Select); coding-DNA position 2085, G replaced by A.
Protein change: p.Pro695=; no amino-acid change (proline 695 retained).
Molecular consequence: synonymous variant.
Genome position (GRCh38, 1-based): chr1:156,880,037, G>A. VCF-style: chr1-156880037-G-A. GRCh37 (hg19) VCF-style: chr1-156849829-G-A.
Other names: c.2085G>A (NM_002529.3); c.1977G>A, p.Pro659= (NM_001007792.1); c.2067G>A, p.Pro689= (NM_001012331.2).
Identifiers: ClinVar variation 526736 (VCV000526736.15), dbSNP rs377730927, ClinGen allele CA1169563.